The following is an entry in ClinVar:

ClinVar aggregate classification (germline): Uncertain significance. Review status: criteria provided, multiple submitters, no conflicts (2 of 4 stars). 3 submissions from 3 submitters: Uncertain significance (3). Last evaluated 2024-02-20.

Conditions:
Inborn genetic diseases. Identifiers: MedGen C0950123, MeSH D030342.
Familial hypokalemia-hypomagnesemia (GTLMNS). Also called: HYPOMAGNESEMIA-HYPOKALEMIA, PRIMARY RENOTUBULAR, WITH HYPOCALCIURIA; POTASSIUM AND MAGNESIUM DEPLETION; gitelman syndrome. Identifiers: Orphanet 358, MedGen C0268450, MONDO:0009904, OMIM 263800.

Allele frequency attached by ClinVar (database versions not stated): TOPMed 0.00003; gnomAD 0.00001; gnomAD exomes 0.00004; ExAC 0.00005.
gnomAD v4.1: 75 of 1,614,066 alleles (0.0046%); highest among the groups gnomAD compares: East Asian, 0.0089%; no homozygotes.

Submissions (3):

Labcorp Genetics (formerly Invitae), Labcorp
Classification: Uncertain significance. Last evaluated: 2024-02-20. Review status: criteria provided, single submitter. Criteria: Invitae Variant Classification Sherloc (09022015). Collection method: clinical testing. Allele origin: germline.
Comment: This sequence change replaces valine, which is neutral and non-polar, with methionine, which is neutral and non-polar, at codon 595 of the SLC12A3 protein (p.Val595Met). This variant is present in population databases (rs201432183, gnomAD 0.006%). This variant has not been reported in the literature in individuals affected with SLC12A3-related conditions. ClinVar contains an entry for this variant (Variation ID: 886418). Advanced modeling of protein sequence and biophysical properties (such as structural, functional, and spatial information, amino acid conservation, physicochemical variation, residue mobility, and thermodynamic stability) has been performed at Invitae for this missense variant, however the output from this modeling did not meet the statistical confidence thresholds required to predict the impact of this variant on SLC12A3 protein function. In summary, the available evidence is currently insufficient to determine the role of this variant in disease. Therefore, it has been classified as a Variant of Uncertain Significance.

Ambry Genetics
Classification: Uncertain significance for Inborn genetic diseases. Last evaluated: 2022-08-17. Review status: criteria provided, single submitter. Criteria: Ambry Variant Classification Scheme 2023. Collection method: clinical testing. Allele origin: germline.

Illumina Laboratory Services, Illumina
Classification: Uncertain significance for Familial hypokalemia-hypomagnesemia. Last evaluated: 2018-01-13. Review status: criteria provided, single submitter. Criteria: ICSL Variant Classification Criteria 13 December 2019. Collection method: clinical testing. Allele origin: germline.

NM_001126108.2(SLC12A3):c.1783G>A (p.Val595Met)

Gene: SLC12A3 (solute carrier family 12 member 3; plus strand). Cytogenetic location: 16q13.
Variant type: single nucleotide variant.
Coding change: c.1783G>A on transcript NM_001126108.2 (MANE Select); coding-DNA position 1783, G replaced by A.
Protein change: p.Val595Met; replaces valine 595 with methionine.
Molecular consequence: missense variant.
Genome position (GRCh38, 1-based): chr16:56,884,162, G>A. VCF-style: chr16-56884162-G-A. GRCh37 (hg19) VCF-style: chr16-56918074-G-A.
Other names: c.1783G>A, p.Val595Met (NM_000339.3); c.1780G>A, p.Val594Met (NM_001126107.2); short protein forms V595M, V594M.
Identifiers: ClinVar variation 886418 (VCV000886418.6), dbSNP rs201432183, ClinGen allele CA8069604.